The following is an entry in ClinVar:

ClinVar aggregate classification (germline): Uncertain significance (1 of 4 stars; one submission).

Allele frequency attached by ClinVar (database versions not stated): ExAC 0.00001; gnomAD 0.00001; TOPMed 0.00001.
gnomAD v4.1: 17 of 1,614,104 alleles (0.0011%); highest among the groups gnomAD compares: African/African-American, 0.004%; no homozygotes.

Submission:

Labcorp Genetics (formerly Invitae), Labcorp
Classification: Uncertain significance. Last evaluated: 2022-07-27. Review status: criteria provided, single submitter. Criteria: Invitae Variant Classification Sherloc (09022015). Collection method: clinical testing. Allele origin: germline.
Comment: In summary, the available evidence is currently insufficient to determine the role of this variant in disease. Therefore, it has been classified as a Variant of Uncertain Significance. Algorithms developed to predict the effect of missense changes on protein structure and function output the following: SIFT: "Deleterious"; PolyPhen-2: "Benign"; Align-GVGD: "Class C35". The cysteine amino acid residue is found in multiple mammalian species, which suggests that this missense change does not adversely affect protein function. This variant has not been reported in the literature in individuals affected with NIN-related conditions. This variant is present in population databases (rs760941464, gnomAD 0.0009%). This sequence change replaces arginine, which is basic and polar, with cysteine, which is neutral and slightly polar, at codon 841 of the NIN protein (p.Arg841Cys).

NM_020921.4(NIN):c.2521C>T (p.Arg841Cys)

Gene: NIN (ninein; minus strand). Cytogenetic location: 14q22.1.
Variant type: single nucleotide variant.
Coding change: c.2521C>T on transcript NM_020921.4 (MANE Select); coding-DNA position 2521, C replaced by T.
Protein change: p.Arg841Cys; replaces arginine 841 with cysteine.
Molecular consequence: missense variant. On other transcripts: intron variant (1).
Genome position (GRCh38, 1-based): chr14:50,758,509, G>A on the plus strand (C>T on the coding strand, the complement: NIN is on the minus strand). VCF-style: chr14-50758509-G-A. GRCh37 (hg19) VCF-style: chr14-51225227-G-A.
Other names: c.2521C>T, p.Arg841Cys (NM_182944.3, NM_182946.2); c.2399+1348C>T (NM_016350.5); short protein forms R841C.
Identifiers: ClinVar variation 1986351 (VCV001986351.4), dbSNP rs760941464, ClinGen allele CA7181916.